The following is an entry in ClinVar:

ClinVar aggregate classification (germline): Uncertain significance. Review status: criteria provided, single submitter (1 of 4 stars). 2 submissions from 2 submitters: Uncertain significance (1). 1 of the submissions does not count toward it. Last evaluated 2025-02-16.

Conditions:
KMT2A-related disorder. Also called: KMT2A-related condition.

Allele frequency attached by ClinVar (database versions not stated): gnomAD 0.00001; gnomAD exomes 0.00001; TOPMed 0.00002.
gnomAD v4.1: 11 of 1,600,404 alleles (0.00069%); highest among the groups gnomAD compares: Admixed American, 0.0035%; no homozygotes.

Submissions (2):

Labcorp Genetics (formerly Invitae), Labcorp
Classification: Uncertain significance. Last evaluated: 2025-02-16. Review status: criteria provided, single submitter. Criteria: Invitae Variant Classification Sherloc (09022015). Collection method: clinical testing. Allele origin: germline.
Comment: This sequence change falls in intron 25 of the KMT2A gene. It does not directly change the encoded amino acid sequence of the KMT2A protein. It affects a nucleotide within the consensus splice site. This variant is not present in population databases (gnomAD no frequency). This variant has not been reported in the literature in individuals affected with KMT2A-related conditions. ClinVar contains an entry for this variant (Variation ID: 3061094). Variants that disrupt the consensus splice site are a relatively common cause of aberrant splicing (PMID: 17576681, 9536098). Algorithms developed to predict the effect of sequence changes on RNA splicing suggest that this variant is not likely to affect RNA splicing. In summary, the available evidence is currently insufficient to determine the role of this variant in disease. Therefore, it has been classified as a Variant of Uncertain Significance.

PreventionGenetics, part of Exact Sciences
Classification: Likely benign for KMT2A-related condition. Last evaluated: 2024-02-15. Review status: no assertion criteria provided. Collection method: clinical testing. Allele origin: germline. Not counted in ClinVar's aggregate classification.
Comment: This variant is classified as likely benign based on ACMG/AMP sequence variant interpretation guidelines (Richards et al. 2015 PMID: 25741868, with internal and published modifications).

Literature cited by the submitters: PubMed 17576681 (cited by Labcorp Genetics (formerly Invitae), Labcorp); PubMed 9536098 (cited by Labcorp Genetics (formerly Invitae), Labcorp).

NM_001197104.2(KMT2A):c.6320-3C>T

Gene: KMT2A (lysine methyltransferase 2A; plus strand). Cytogenetic location: 11q23.3.
Variant type: single nucleotide variant.
Coding change: c.6320-3C>T on transcript NM_001197104.2 (MANE Select); 3 bases into the intron before coding-DNA position 6320, C replaced by T.
Molecular consequence: intron variant.
Genome position (GRCh38, 1-based): chr11:118,501,669, C>T. VCF-style: chr11-118501669-C-T. GRCh37 (hg19) VCF-style: chr11-118372384-C-T.
Other names: c.6410-3C>T (NM_001412597.1); c.6311-3C>T (NM_005933.4).
Identifiers: ClinVar variation 3061094 (VCV003061094.3), dbSNP rs1434508254, ClinGen allele CA672350633.